The following is an entry in ClinVar:

NM_001267550.2(TTN):c.92152+1G>C

Genes: TTN-AS1 (TTN antisense RNA 1; plus strand), TTN (titin; minus strand). Cytogenetic location: 2q31.2.
Variant type: single nucleotide variant.
Coding change: c.92152+1G>C on transcript NM_001267550.2 (MANE Select); the canonical splice donor site of the intron after coding-DNA position 92152, G replaced by C.
Molecular consequence: splice donor variant.
Genome position (GRCh38, 1-based): chr2:178,549,569, C>G on the plus strand (G>C on the coding strand, the complement: TTN is on the minus strand). VCF-style: chr2-178549569-C-G. GRCh37 (hg19) VCF-style: chr2-179414296-C-G.
Other names: c.64957+1G>C (NM_003319.4); c.65533+1G>C (NM_133437.4); c.65332+1G>C (NM_133432.3); c.84448+1G>C (NM_133378.4); c.87229+1G>C (NM_001256850.1).
Identifiers: ClinVar variation 2942626 (VCV002942626.3), dbSNP rs2469168148, ClinGen allele CA349494362.

ClinVar aggregate classification (germline): Likely pathogenic (1 of 4 stars; one submission).

Conditions:
Dilated cardiomyopathy 1G (CMD1G). Identifiers: Orphanet 154, MedGen C1858763, MONDO:0011400, OMIM 604145.
Autosomal recessive limb-girdle muscular dystrophy type 2J (LGMDR10). Also called: MUSCULAR DYSTROPHY, LIMB-GIRDLE, AUTOSOMAL RECESSIVE 10; Limb-girdle muscular dystrophy, type 2J. Identifiers: Orphanet 140922, MedGen C1837342, MONDO:0012127, OMIM 608807.

Submission:

Labcorp Genetics (formerly Invitae), Labcorp
Classification: Likely pathogenic for Dilated cardiomyopathy 1G; Autosomal recessive limb-girdle muscular dystrophy type 2J. Last evaluated: 2022-12-23. Review status: criteria provided, single submitter. Criteria: Invitae Variant Classification Sherloc (09022015). Collection method: clinical testing. Allele origin: germline.
Comment: This variant is located in the A band of TTN (PMID: 25589632). Truncating variants in this region are significantly overrepresented in patients affected with dilated cardiomyopathy (PMID: 25589632). Truncating variants in this region have also been reported in individuals affected with autosomal recessive centronuclear myopathy (PMID: 23975875). In summary, the currently available evidence indicates that the variant is pathogenic, but additional data are needed to prove that conclusively. Therefore, this variant has been classified as Likely Pathogenic. Algorithms developed to predict the effect of sequence changes on RNA splicing suggest that this variant may disrupt the consensus splice site. This variant has not been reported in the literature in individuals affected with TTN-related conditions. This variant is not present in population databases (gnomAD no frequency). This sequence change affects a donor splice site in intron 338 of the TTN gene. It is expected to disrupt RNA splicing and likely results in a truncated or disrupted TTN protein.

Literature cited by the submitters: PubMed 25589632; PubMed 23975875.